The following is an entry in ClinVar:

ClinVar aggregate classification (germline): Likely benign (0 of 4 stars; one submission).

Conditions:
Chronic progressive multiple sclerosis. Identifiers: MedGen C0393665, MONDO:0005284.

Allele frequency attached by ClinVar (database versions not stated): gnomAD exomes below 0.00001.

Submission:

Demyelinating Disease Laboratories, VA Medical Center and University of Tennessee
Classification: Likely benign. Review status: no assertion criteria provided. Collection method: not provided. Allele origin: somatic.
ClinVar note: Converted during submission from probable-non-pathogenic to Likely benign.

NM_031157.4(HNRNPA1):c.1078T>G (p.Ser360Ala)

Gene: HNRNPA1 (heterogeneous nuclear ribonucleoprotein A1; plus strand). Cytogenetic location: 12q13.13.
Variant type: single nucleotide variant.
Coding change: c.1078T>G on transcript NM_031157.4 (MANE Select); coding-DNA position 1078, T replaced by G.
Protein change: p.Ser360Ala; replaces serine 360 with alanine.
Molecular consequence: missense variant. On other transcripts: non-coding transcript variant (1).
Genome position (GRCh38, 1-based): chr12:54,284,272, T>G. VCF-style: chr12-54284272-T-G. GRCh37 (hg19) VCF-style: chr12-54678056-T-G.
Other names: c.922T>G, p.Ser308Ala (NM_002136.4); short protein forms S360A, S308A.
Identifiers: ClinVar variation 135609 (VCV000135609.2), dbSNP rs483353040, ClinGen allele CA163086.